The following is an entry in ClinVar:

NM_015295.3(SMCHD1):c.1975G>A (p.Asp659Asn)

Gene: SMCHD1 (structural maintenance of chromosomes flexible hinge domain containing 1; plus strand). Cytogenetic location: 18p11.32.
Variant type: single nucleotide variant.
Coding change: c.1975G>A on transcript NM_015295.3 (MANE Select); coding-DNA position 1975, G replaced by A.
Protein change: p.Asp659Asn; replaces aspartic acid 659 with asparagine.
Molecular consequence: missense variant.
Genome position (GRCh38, 1-based): chr18:2,706,382, G>A. VCF-style: chr18-2706382-G-A. GRCh37 (hg19) VCF-style: chr18-2706380-G-A.
Other names: short protein forms D659N.
Identifiers: ClinVar variation 2119587 (VCV002119587.4), dbSNP rs2510038762, ClinGen allele CA401679777.

ClinVar aggregate classification (germline): Uncertain significance (1 of 4 stars; one submission).

Conditions:
Facioscapulohumeral muscular dystrophy 2 (FSHD2). Also called: MUSCULAR DYSTROPHY, FACIOSCAPULOHUMERAL, TYPE 1B; FACIOSCAPULOHUMERAL MUSCULAR DYSTROPHY 2, DIGENIC; FSHD2, DIGENIC. Identifiers: Orphanet 269, MedGen C1834671, MONDO:0008031, OMIM 158901.

Submission:

Labcorp Genetics (formerly Invitae), Labcorp
Classification: Uncertain significance for Facioscapulohumeral muscular dystrophy 2. Last evaluated: 2022-03-29. Review status: criteria provided, single submitter. Criteria: Invitae Variant Classification Sherloc (09022015). Collection method: clinical testing. Allele origin: germline.
Comment: Algorithms developed to predict the effect of missense changes on protein structure and function are either unavailable or do not agree on the potential impact of this missense change (SIFT: "Tolerated"; PolyPhen-2: "Possibly Damaging"; Align-GVGD: "Class C0"). In summary, the available evidence is currently insufficient to determine the role of this variant in disease. Therefore, it has been classified as a Variant of Uncertain Significance. This variant has not been reported in the literature in individuals affected with SMCHD1-related conditions. This variant is not present in population databases (gnomAD no frequency). This sequence change replaces aspartic acid, which is acidic and polar, with asparagine, which is neutral and polar, at codon 659 of the SMCHD1 protein (p.Asp659Asn).